The following is an entry in ClinVar:

NM_024334.3(TMEM43):c.324C>T (p.Val108=)

Gene: TMEM43 (transmembrane protein 43; plus strand). Cytogenetic location: 3p25.1.
Variant type: single nucleotide variant.
Coding change: c.324C>T on transcript NM_024334.3 (MANE Select); coding-DNA position 324, C replaced by T.
Protein change: p.Val108=; no amino-acid change (valine 108 retained).
Molecular consequence: synonymous variant.
Genome position (GRCh38, 1-based): chr3:14,131,606, C>T. VCF-style: chr3-14131606-C-T. GRCh37 (hg19) VCF-style: chr3-14173106-C-T.
Identifiers: ClinVar variation 698828 (VCV000698828.16), dbSNP rs371279985, ClinGen allele CA052932.

ClinVar aggregate classification (germline): Likely benign. Review status: criteria provided, multiple submitters, no conflicts (2 of 4 stars). 5 submissions from 5 submitters: Likely benign (5). Last evaluated 2026-01-08.

Conditions:
Arrhythmogenic right ventricular dysplasia 5. Also called: Arrhythmogenic Right Ventricular Dysplasia/Cardiomyopathy 5; ARRHYTHMOGENIC RIGHT VENTRICULAR DYSPLASIA, FAMILIAL, 5. Identifiers: MedGen C1858379, MONDO:0011459, OMIM 604400.
Cardiomyopathy (CMYO). Also called: Cardiomyopathies. Identifiers: Orphanet 167848, MedGen C0878544, MONDO:0004994, HP:0001638. Inheritance: Various modes of inheritance.
Cardiovascular phenotype. Identifiers: MedGen CN230736.

Allele frequency attached by ClinVar (database versions not stated): gnomAD 0.00001; gnomAD exomes 0.00001 and 0.00002; ExAC 0.00002; TOPMed 0.00003; ESP Exome Variant Server 0.00008.
gnomAD v4.1: 22 of 1,614,004 alleles (0.0014%); highest among the groups gnomAD compares: Admixed American, 0.0033%; no homozygotes.

Submissions (5):

Women's Health and Genetics/Laboratory Corporation of America, LabCorp
Classification: Likely benign. Last evaluated: 2026-01-08. Review status: criteria provided, single submitter. Criteria: LabCorp Variant Classification Summary - May 2015. Collection method: clinical testing. Allele origin: germline.

Labcorp Genetics (formerly Invitae), Labcorp
Classification: Likely benign for Arrhythmogenic right ventricular dysplasia 5. Last evaluated: 2025-09-28. Review status: criteria provided, single submitter. Criteria: Invitae Variant Classification Sherloc (09022015). Collection method: clinical testing. Allele origin: germline.

All of Us Research Program, National Institutes of Health
Classification: Likely benign for Arrhythmogenic right ventricular dysplasia 5. Last evaluated: 2023-12-13. Review status: criteria provided, single submitter. Criteria: ACMG Guidelines, 2015. Collection method: clinical testing. Allele origin: germline. Inheritance: Autosomal dominant inheritance. Observed: 6 variant alleles, 6 heterozygotes.
Comment: This study involves interpretation of variants in research participants for the purpose of population health screening. Participant phenotype was not available at the time of variant classification. Additional details can be found in publication PMID: 35346344, PMCID: PMC8962531

Ambry Genetics
Classification: Likely benign for Cardiovascular phenotype. Last evaluated: 2023-03-26. Review status: criteria provided, single submitter. Criteria: Ambry Variant Classification Scheme 2023. Collection method: clinical testing. Allele origin: germline.

Color Diagnostics, LLC DBA Color Health
Classification: Likely benign for Cardiomyopathy. Last evaluated: 2018-03-23. Review status: criteria provided, single submitter. Criteria: ACMG Guidelines, 2015. Collection method: clinical testing. Allele origin: germline.